The following is an entry in ClinVar:

NM_032656.4(DHX37):c.3178C>G (p.Arg1060Gly)

Gene: DHX37 (DEAH-box helicase 37; minus strand). Cytogenetic location: 12q24.31.
Variant type: single nucleotide variant.
Coding change: c.3178C>G on transcript NM_032656.4 (MANE Select); coding-DNA position 3178, C replaced by G.
Protein change: p.Arg1060Gly; replaces arginine 1060 with glycine.
Molecular consequence: missense variant.
Genome position (GRCh38, 1-based): chr12:124,950,187, G>C on the plus strand (C>G on the coding strand, the complement: DHX37 is on the minus strand). VCF-style: chr12-124950187-G-C. GRCh37 (hg19) VCF-style: chr12-125434733-G-C.
Other names: short protein forms R1060G.
Identifiers: ClinVar variation 1975266 (VCV001975266.5), dbSNP rs116833233, ClinGen allele CA6871328.

ClinVar aggregate classification (germline): Uncertain significance (1 of 4 stars; one submission).

gnomAD v4.1: 17 of 1,613,930 alleles (0.0011%); highest among the groups gnomAD compares: Admixed American, 0.025%; no homozygotes.

Submission:

Labcorp Genetics (formerly Invitae), Labcorp
Classification: Uncertain significance. Last evaluated: 2022-02-08. Review status: criteria provided, single submitter. Criteria: Invitae Variant Classification Sherloc (09022015). Collection method: clinical testing. Allele origin: germline.
Comment: In summary, the available evidence is currently insufficient to determine the role of this variant in disease. Therefore, it has been classified as a Variant of Uncertain Significance. Algorithms developed to predict the effect of missense changes on protein structure and function (SIFT, PolyPhen-2, Align-GVGD) all suggest that this variant is likely to be tolerated. This variant has not been reported in the literature in individuals affected with DHX37-related conditions. This variant is present in population databases (rs116833233, gnomAD 0.04%). This sequence change replaces arginine, which is basic and polar, with glycine, which is neutral and non-polar, at codon 1060 of the DHX37 protein (p.Arg1060Gly).